The following is an entry in ClinVar:

ClinVar aggregate classification (germline): Pathogenic (1 of 4 stars; one submission).

Submission:

GeneDx
Classification: Pathogenic. Last evaluated: 2013-06-19. Review status: criteria provided, single submitter. Criteria: GeneDx Variant Classification (06012015). Collection method: clinical testing. Allele origin: germline. Affected: yes.
Comment: Although the c.2701delT mutation in the FBN1 gene has not been reported to our knowledge, this mutation causes a shift in reading frame starting at amino acid residue Serine 901, changing it to a Glutamine, and creating a premature stop codon at position 11 of the new reading frame, denoted p.Ser901GlnfsX11. This mutation is expected to result in either an abnormal, truncated protein product or loss of protein from this allele through nonsense-mediated mRNA decay. The c.2701delT mutation was not observed in approximately 6,500 individuals of European and African American ancestry in the NHLBI Exome Sequencing Project, indicating it is not a common benign variant in these populations. Other frameshift mutations in the FBN1 gene have been reported in association with Marfan syndrome. In summary, c.2701delT in the FBN1 gene is interpreted as a disease-causing mutation.

NM_000138.5(FBN1):c.2701del (p.Ser901fs)

Gene: FBN1 (fibrillin 1; minus strand). Cytogenetic location: 15q21.1.
Variant type: Deletion.
Coding change: c.2701del on transcript NM_000138.5 (MANE Select); coding-DNA position 2701, one base deleted (T; older notation c.2701delT).
Protein change: p.Ser901fs; shifts the reading frame from serine 901.
Molecular consequence: frameshift variant.
Genome position (GRCh38, 1-based): chr15:48,494,231, A deleted on the plus strand (T on the coding strand, the reverse complement: FBN1 is on the minus strand). VCF-style (leftmost placement, unchanged base first): chr15-48494230-GA-G. GRCh37 (hg19) VCF-style: chr15-48786427-GA-G.
Other names: c.2701delT (NM_000138.4); short protein forms S901fs.
Identifiers: ClinVar variation 200155 (VCV000200155.2), dbSNP rs794728303, ClinGen allele CA013372.